The following is an entry in ClinVar:

ClinVar aggregate classification (germline): Conflicting classifications of pathogenicity. Review status: criteria provided, conflicting classifications (1 of 4 stars). 3 submissions from 3 submitters: Uncertain significance (2); Likely benign (1). Last evaluated 2026-08-01.

Allele frequency attached by ClinVar (database versions not stated): ESP Exome Variant Server 0.00238; 1000 Genomes Project 30x 0.00250; 1000 Genomes Project 0.00280.

Submissions (3):

CeGaT Center for Human Genetics Tuebingen
Classification: Likely benign. Last evaluated: 2026-08-01. Review status: criteria provided, single submitter. Criteria: CeGaT Center For Human Genetics Tuebingen Variant Classification Criteria Version 2. Collection method: clinical testing. Allele origin: germline. Affected: yes. Observed: 15 variant alleles.
Comment: SLC26A10P: BS2

Mendelics
Classification: Uncertain significance. Last evaluated: 2022-05-04. Review status: criteria provided, single submitter. Criteria: Mendelics Assertion Criteria 2019. Collection method: clinical testing. Allele origin: germline.

Breakthrough Genomics
Classification: Uncertain significance. Review status: criteria provided, single submitter. Criteria: ACMG Guidelines, 2015. Collection method: not provided. Allele origin: germline. Inheritance: Autosomal recessive inheritance. Affected: yes.

NM_001478.5(B4GALNT1):c.*1325G>A

Gene: B4GALNT1 (beta-1,4-N-acetyl-galactosaminyltransferase 1; minus strand). Cytogenetic location: 12q13.3.
Variant type: single nucleotide variant.
Coding change: c.*1325G>A on transcript NM_001478.5 (MANE Select); 1325 bases downstream of the stop codon, G replaced by A.
Molecular consequence: 3 prime UTR variant. On other transcripts: non-coding transcript variant (2).
Genome position (GRCh38, 1-based): chr12:57,625,419, C>T on the plus strand (G>A on the coding strand, the complement: B4GALNT1 is on the minus strand). VCF-style: chr12-57625419-C-T. GRCh37 (hg19) VCF-style: chr12-58019202-C-T.
Other names: c.*1325G>A (NM_001276468.2).
Identifiers: ClinVar variation 1686497 (VCV001686497.18), dbSNP rs151077423, ClinGen allele CA6655317.
Genomic context (GRCh38, chr12:57,625,419, plus strand): 5'-TCACTCATACCCTCTGATCTGGGACTTAACCCCTTTGCCCCATCCCTGCAGCTGGCCAGC[C>T]GATGTCGAGATGCTAGGATCCGCCTCCTCCTGGCTCAGTGTAATGGTGAGATGTGTGGAG-3'